The following is an entry in ClinVar:

ClinVar aggregate classification (germline): Uncertain significance (1 of 4 stars; one submission).

Allele frequency attached by ClinVar (database versions not stated): gnomAD exomes 0.00001; TOPMed 0.00001; ExAC 0.00002.
gnomAD v4.1: 4 of 1,614,164 alleles (0.00025%); highest among the groups gnomAD compares: Admixed American, 0.0067%; no homozygotes.

Submission:

Labcorp Genetics (formerly Invitae), Labcorp
Classification: Uncertain significance. Last evaluated: 2024-02-14. Review status: criteria provided, single submitter. Criteria: Invitae Variant Classification Sherloc (09022015). Collection method: clinical testing. Allele origin: germline.
Comment: This sequence change replaces alanine, which is neutral and non-polar, with valine, which is neutral and non-polar, at codon 196 of the CARD8 protein (p.Ala196Val). This variant is present in population databases (rs748512582, gnomAD 0.01%). This variant has not been reported in the literature in individuals affected with CARD8-related conditions. ClinVar contains an entry for this variant (Variation ID: 1941363). An algorithm developed to predict the effect of missense changes on protein structure and function (PolyPhen-2) suggests that this variant is likely to be tolerated. In summary, the available evidence is currently insufficient to determine the role of this variant in disease. Therefore, it has been classified as a Variant of Uncertain Significance.

NM_001184900.3(CARD8):c.737C>T (p.Ala246Val)

Gene: CARD8 (caspase recruitment domain family member 8; minus strand). Cytogenetic location: 19q13.33.
Variant type: single nucleotide variant.
Coding change: c.737C>T on transcript NM_001184900.3 (MANE Select); coding-DNA position 737, C replaced by T.
Protein change: p.Ala246Val; replaces alanine 246 with valine.
Molecular consequence: missense variant. On other transcripts: non-coding transcript variant (4).
Genome position (GRCh38, 1-based): chr19:48,230,812, G>A on the plus strand (C>T on the coding strand, the complement: CARD8 is on the minus strand). VCF-style: chr19-48230812-G-A. GRCh37 (hg19) VCF-style: chr19-48734069-G-A.
Other names: c.587C>T, p.Ala196Val (NM_001184901.1, NM_001351783.2, NM_001351788.2 and 2 more transcripts); c.737C>T, p.Ala246Val (NM_001184902.2, NM_001184903.1, NM_001351782.2); c.422C>T, p.Ala141Val (NM_001351784.2, NM_001351787.2, NM_001351791.2 and 2 more transcripts); c.401C>T, p.Ala134Val (NM_001351786.2); c.494C>T, p.Ala165Val (NM_001351790.2); short protein forms A141V, A165V, A134V, A246V, A196V.
Identifiers: ClinVar variation 1941363 (VCV001941363.5), dbSNP rs748512582, ClinGen allele CA9547941.